The following is an entry in ClinVar:

NM_000718.4(CACNA1B):c.530+35A>C

Genes: CACNA1B (calcium voltage-gated channel subunit alpha1 B; plus strand), CACNA1B-AS2 (CACNA1B antisense RNA 2; minus strand). Cytogenetic location: 9q34.3.
Variant type: single nucleotide variant.
Coding change: c.530+35A>C on transcript NM_000718.4 (MANE Select); 35 bases into the intron after coding-DNA position 530, A replaced by C.
Molecular consequence: intron variant. On other transcripts: non-coding transcript variant (1).
Genome position (GRCh38, 1-based): chr9:137,882,918, A>C. VCF-style: chr9-137882918-A-C. GRCh37 (hg19) VCF-style: chr9-140777370-A-C.
Other names: c.530+35A>C (NM_001243812.2).
Identifiers: ClinVar variation 3256825 (VCV003256825.2).
Genomic context (GRCh38, chr9:137,882,918, plus strand): 5'-ATGGACTTCGTGGTCGTCCTCACAGGGTAGGCAAGCTGAGGCCAGGAGGCCCAGCGTGTG[A>C]GGCCCGGGCGTGTGCTCTCTGAAGCTCAGTTGCGCCGTGGAGCTGGGGCAGCTGCAGTCC-3'

ClinVar aggregate classification (germline): Benign (1 of 4 stars; one submission).

gnomAD v4.1: 456,937 of 1,499,752 alleles (30%); highest among the groups gnomAD compares: African/African-American, 63%; 79,895 homozygotes.

Submission:

Unidad de Genómica Garrahan, Hospital de Pediatría Garrahan
Classification: Benign. Last evaluated: 2024-07-31. Review status: criteria provided, single submitter. Criteria: ACMG Guidelines, 2015. Collection method: clinical testing. Allele origin: germline. Affected: no. Observed: 24 variant alleles.
Comment: This variant is classified as Benign based on local population frequency. This variant was detected in 26% of patients studied in a panel designed for Epileptic and Developmental Encephalopathy, Progressive Myoclonus Epilepsy and Abnormal Movements and Neurodegeneration with brain iron accumulation. Number of patients: 24. Only high quality variants are reported.